The following is an entry in ClinVar:

ClinVar aggregate classification (germline): Uncertain significance (1 of 4 stars; one submission).

Submission:

Dasa
Classification: Uncertain significance. Last evaluated: 2026-02-25. Review status: criteria provided, single submitter. Criteria: DASA Assertion Criteria. Collection method: clinical testing. Allele origin: germline.
Comment: NM_006015.6(ARID1A):c.3867-8T>C is a splice-region variant. This variant is rare in population databases. Computational prediction algorithms are consistent with a benign effect. The currently available literature and clinical evidence are not sufficient to establish a definitive association between this variant and the reported condition. Therefore, this variant is classified as a variant of uncertain significance.

NM_006015.6(ARID1A):c.3867-8T>C

Gene: ARID1A (AT-rich interaction domain 1A; plus strand). Cytogenetic location: 1p36.11.
Variant type: single nucleotide variant.
Coding change: c.3867-8T>C on transcript NM_006015.6 (MANE Select); 8 bases into the intron before coding-DNA position 3867, T replaced by C.
Molecular consequence: intron variant.
Genome position (GRCh38, 1-based): chr1:26,773,572, T>C. VCF-style: chr1-26773572-T-C. GRCh37 (hg19) VCF-style: chr1-27100063-T-C.
Other names: c.3867-8T>C (NM_139135.4).
Identifiers: ClinVar variation 4885204 (VCV004885204.2).